The following is an entry in ClinVar:

ClinVar aggregate classification (germline): Likely benign. Review status: criteria provided, multiple submitters, no conflicts (2 of 4 stars). 3 submissions from 3 submitters: Likely benign (2). 1 of the submissions does not count toward it. Last evaluated 2025-12-15.

Conditions:
IFT52-related disorder. Also called: IFT52-related condition.

Allele frequency attached by ClinVar (database versions not stated): gnomAD exomes 0.00033; ExAC 0.00041; gnomAD 0.00129 and 0.00133; TOPMed 0.00134; ESP Exome Variant Server 0.00138; 1000 Genomes Project 0.00200; 1000 Genomes Project 30x 0.00219.

Submissions (3):

Labcorp Genetics (formerly Invitae), Labcorp
Classification: Likely benign. Last evaluated: 2025-12-15. Review status: criteria provided, single submitter. Criteria: Invitae Variant Classification Sherloc (09022015). Collection method: clinical testing. Allele origin: germline.

Blueprint Genetics
Classification: Likely benign. Last evaluated: 2023-12-27. Review status: criteria provided, single submitter. Criteria: ACMG Guidelines, 2015. Collection method: clinical testing. Allele origin: germline.

PreventionGenetics, part of Exact Sciences
Classification: Likely benign for IFT52-related condition. Last evaluated: 2020-01-02. Review status: no assertion criteria provided. Collection method: clinical testing. Allele origin: germline. Not counted in ClinVar's aggregate classification.
Comment: This variant is classified as likely benign based on ACMG/AMP sequence variant interpretation guidelines (Richards et al. 2015 PMID: 25741868, with internal and published modifications).

NM_016004.5(IFT52):c.119+5C>T

Gene: IFT52 (intraflagellar transport 52; plus strand). Cytogenetic location: 20q13.12.
Variant type: single nucleotide variant.
Coding change: c.119+5C>T on transcript NM_016004.5 (MANE Select); 5 bases into the intron after coding-DNA position 119, C replaced by T.
Molecular consequence: intron variant.
Genome position (GRCh38, 1-based): chr20:43,594,822, C>T. VCF-style: chr20-43594822-C-T. GRCh37 (hg19) VCF-style: chr20-42223462-C-T.
Other names: c.119+5C>T (NM_001303458.2, NM_001303458.3, NM_001303459.3); c.-553+5C>T (NM_001323578.2, NM_001323580.2); c.-646+5C>T (NM_001323579.2, NM_001323581.2).
Identifiers: ClinVar variation 1654926 (VCV001654926.11), dbSNP rs184213301, ClinGen allele CA9866763.